The following is an entry in ClinVar:

ClinVar aggregate classification (germline): Pathogenic (1 of 4 stars; one submission).

Conditions:
Hajdu-Cheney syndrome (HJCYS). Also called: SERPENTINE FIBULA-POLYCYSTIC KIDNEY SYNDROME; Acroosteolysis dominant type; ACROOSTEOLYSIS WITH OSTEOPOROSIS AND CHANGES IN SKULL AND MANDIBLE. Identifiers: Orphanet 955, MedGen C0917715, MONDO:0007057, OMIM 102500.

Submission:

Labcorp Genetics (formerly Invitae), Labcorp
Classification: Pathogenic for Hajdu-Cheney syndrome. Last evaluated: 2023-08-04. Review status: criteria provided, single submitter. Criteria: Invitae Variant Classification Sherloc (09022015). Collection method: clinical testing. Allele origin: germline.
Comment: This variant is not present in population databases (gnomAD no frequency). This sequence change creates a premature translational stop signal (p.Glu301*) in the NOTCH2 gene. It is expected to result in an absent or disrupted protein product. Loss-of-function variants in NOTCH2 are known to be pathogenic (PMID: 16773578, 22209762). This variant has not been reported in the literature in individuals affected with NOTCH2-related conditions. ClinVar contains an entry for this variant (Variation ID: 2029083). For these reasons, this variant has been classified as Pathogenic.

Literature cited by the submitters: PubMed 16773578; PubMed 22209762.

NM_024408.4(NOTCH2):c.901G>T (p.Glu301Ter)

Gene: NOTCH2 (notch receptor 2; minus strand). Cytogenetic location: 1p12.
Variant type: single nucleotide variant.
Coding change: c.901G>T on transcript NM_024408.4 (MANE Select); coding-DNA position 901, G replaced by T.
Protein change: p.Glu301Ter; replaces glutamic acid 301 with a stop codon.
Molecular consequence: nonsense.
Genome position (GRCh38, 1-based): chr1:119,969,718, C>A on the plus strand (G>T on the coding strand, the complement: NOTCH2 is on the minus strand). VCF-style: chr1-119969718-C-A. GRCh37 (hg19) VCF-style: chr1-120512341-C-A.
Other names: c.901G>T, p.Glu301Ter (NM_001200001.2); short protein forms E301*.
Identifiers: ClinVar variation 2029083 (VCV002029083.4), dbSNP rs2526313922, ClinGen allele CA341883368.